The following is an entry in ClinVar:

NM_178452.6(DNAAF1):c.361C>T (p.Arg121Cys)

Gene: DNAAF1 (dynein axonemal assembly factor 1; plus strand). Cytogenetic location: 16q24.1.
Variant type: single nucleotide variant.
Coding change: c.361C>T on transcript NM_178452.6 (MANE Select); coding-DNA position 361, C replaced by T.
Protein change: p.Arg121Cys; replaces arginine 121 with cysteine.
Molecular consequence: missense variant.
Genome position (GRCh38, 1-based): chr16:84,154,585, C>T. VCF-style: chr16-84154585-C-T. GRCh37 (hg19) VCF-style: chr16-84188190-C-T.
Other names: c.361C>T (NM_178452.5); short protein forms R121C.
Identifiers: ClinVar variation 701164 (VCV000701164.18), dbSNP rs368031148, ClinGen allele CA8202474.

ClinVar aggregate classification (germline): Benign/Likely benign. Review status: criteria provided, multiple submitters, no conflicts (2 of 4 stars). 4 submissions from 4 submitters: Benign (2); Likely benign (1). 1 of the submissions does not count toward it. Last evaluated 2026-01-06.

Conditions:
DNAAF1-related disorder. Also called: DNAAF1-related condition.
Primary ciliary dyskinesia 13. Also called: CILIARY DYSKINESIA, PRIMARY, 13, WITH OR WITHOUT SITUS INVERSUS. Identifiers: Orphanet 244, MedGen C2750790, MONDO:0013174, OMIM 613193.
Primary ciliary dyskinesia. Also called: Ciliary dyskinesia. Identifiers: Orphanet 244, MedGen C0008780, MONDO:0016575, HP:0012265.

Allele frequency attached by ClinVar (database versions not stated): TOPMed 0.00012; gnomAD 0.00013; gnomAD exomes 0.00084; ExAC 0.00094; 1000 Genomes Project 30x 0.00109; 1000 Genomes Project 0.00140.
gnomAD v4.1: 551 of 1,613,930 alleles (0.034%); highest among the groups gnomAD compares: South Asian, 0.52%; 4 homozygotes.

Submissions (4):

Labcorp Genetics (formerly Invitae), Labcorp
Classification: Likely benign for Primary ciliary dyskinesia. Last evaluated: 2026-01-06. Review status: criteria provided, single submitter. Criteria: Invitae Variant Classification Sherloc (09022015). Collection method: clinical testing. Allele origin: germline.

Ambry Genetics
Classification: Benign for Primary ciliary dyskinesia. Last evaluated: 2022-04-21. Review status: criteria provided, single submitter. Criteria: Ambry Variant Classification Scheme 2023. Collection method: clinical testing. Allele origin: germline.

Illumina Laboratory Services, Illumina
Classification: Benign for Primary ciliary dyskinesia 13. Last evaluated: 2017-11-27. Review status: criteria provided, single submitter. Criteria: ICSL Variant Classification Criteria 13 December 2019. Collection method: clinical testing. Allele origin: germline.
Comment: This variant was observed as part of a predisposition screen in an ostensibly healthy population. A literature search was performed for the gene, cDNA change, and amino acid change (where applicable). Publications were found based on this search. The evidence from the literature, in combination with allele frequency data from public databases where available, was sufficient to rule this variant out of causing disease. Therefore, this variant is classified as benign.

PreventionGenetics, part of Exact Sciences
Classification: Likely benign for DNAAF1-related condition. Last evaluated: 2022-04-26. Review status: no assertion criteria provided. Collection method: clinical testing. Allele origin: germline. Not counted in ClinVar's aggregate classification.
Comment: This variant is classified as likely benign based on ACMG/AMP sequence variant interpretation guidelines (Richards et al. 2015 PMID: 25741868, with internal and published modifications).

Literature cited by the submitters: PubMed 24498942 (cited by Illumina Laboratory Services, Illumina).